The following is an entry in ClinVar:

ClinVar aggregate classification (germline): Uncertain significance. Review status: criteria provided, multiple submitters, no conflicts (2 of 4 stars). 4 submissions from 4 submitters: Uncertain significance (4). Last evaluated 2025-08-09.

Conditions:
Hereditary cancer-predisposing syndrome. Also called: Neoplastic Syndromes, Hereditary; Tumor predisposition; Hereditary Cancer Syndrome; Hereditary neoplastic syndrome. Identifiers: Orphanet 140162, MedGen C0027672, MeSH D009386, MONDO:0015356.
Familial adenomatous polyposis 1 (FAP1). Also called: FAMILIAL ADENOMATOUS POLYPOSIS 1, ATTENUATED; POLYPOSIS, ADENOMATOUS INTESTINAL. Identifiers: MedGen C2713442, MONDO:0021056, OMIM 175100. Disease mechanism: loss of function.

Allele frequency attached by ClinVar (database versions not stated): gnomAD exomes below 0.00001; gnomAD 0.00001; TOPMed 0.00001.
gnomAD v4.1: 4 of 1,613,920 alleles (0.00025%); highest among the groups gnomAD compares: Admixed American, 0.0017%; no homozygotes.

Submissions (4):

Labcorp Genetics (formerly Invitae), Labcorp
Classification: Uncertain significance for Familial adenomatous polyposis 1. Last evaluated: 2025-08-09. Review status: criteria provided, single submitter. Criteria: Invitae Variant Classification Sherloc (09022015). Collection method: clinical testing. Allele origin: germline.
Comment: This sequence change replaces arginine, which is basic and polar, with cysteine, which is neutral and slightly polar, at codon 2714 of the APC protein (p.Arg2714Cys). This variant is present in population databases (no rsID available, gnomAD 0.003%). This variant has not been reported in the literature in individuals affected with APC-related conditions. ClinVar contains an entry for this variant (Variation ID: 231255). Invitae Evidence Modeling of protein sequence and biophysical properties (such as structural, functional, and spatial information, amino acid conservation, physicochemical variation, residue mobility, and thermodynamic stability) indicates that this missense variant is not expected to disrupt APC protein function with a negative predictive value of 95%. In summary, the available evidence is currently insufficient to determine the role of this variant in disease. Therefore, it has been classified as a Variant of Uncertain Significance.

Ambry Genetics
Classification: Uncertain significance for Hereditary cancer-predisposing syndrome. Last evaluated: 2025-06-26. Review status: criteria provided, single submitter. Criteria: Ambry Variant Classification Scheme 2023. Collection method: clinical testing. Allele origin: germline.
Comment: The p.R2714C variant (also known as c.8140C>T), located in coding exon 15 of the APC gene, results from a C to T substitution at nucleotide position 8140. The arginine at codon 2714 is replaced by cysteine, an amino acid with highly dissimilar properties. This amino acid position is not well conserved in available vertebrate species. In addition, in silico predictors for this gene do not accurately predict pathogenicity. Since supporting evidence is limited at this time, the clinical significance of this alteration remains unclear.

Color Diagnostics, LLC DBA Color Health
Classification: Uncertain significance for Hereditary cancer-predisposing syndrome. Last evaluated: 2025-06-02. Review status: criteria provided, single submitter. Criteria: ACMG Guidelines, 2015. Collection method: clinical testing. Allele origin: germline.
Comment: This missense variant replaces arginine with cysteine at codon 2714 of the APC protein. Computational prediction suggests that this variant may not impact protein structure and function. To our knowledge, functional studies have not been reported for this variant. This variant has not been reported in individuals affected with APC-related disorders in the literature. This variant has been identified in 1/251306 chromosomes in the general population by the Genome Aggregation Database (gnomAD). The available evidence is insufficient to determine the role of this variant in disease conclusively. Therefore, this variant is classified as a Variant of Uncertain Significance.

Quest Diagnostics Nichols Institute San Juan Capistrano
Classification: Uncertain significance. Last evaluated: 2024-03-13. Review status: criteria provided, single submitter. Criteria: Quest Diagnostics criteria. Collection method: clinical testing. Allele origin: unknown.
Comment: The APC c.8140C>T (p.Arg2714Cys) variant has been detected in the published literature in at least one individual with colorectal cancer (PMID: 29212164 (2017)) and one reportedly healthy individual (PMID: 36243179 (2022)). The frequency of this variant in the general population, 0.000004 (1/251306 chromosomes (Genome Aggregation Database)), is uninformative in the assessment of its pathogenicity. Analysis of this variant using bioinformatics tools for the prediction of the effect of amino acid changes on protein structure and function yielded predictions that this variant is benign. Based on the available information, we are unable to determine the clinical significance of this variant.

Literature cited by the submitters: PubMed 29338072 (cited by Quest Diagnostics Nichols Institute San Juan Capistrano); PubMed 31543384 (cited by Quest Diagnostics Nichols Institute San Juan Capistrano); PubMed 29212164 (cited by Quest Diagnostics Nichols Institute San Juan Capistrano); PubMed 35307764 (cited by Quest Diagnostics Nichols Institute San Juan Capistrano); PubMed 20579941 (cited by Quest Diagnostics Nichols Institute San Juan Capistrano); PubMed 36243179 (cited by Quest Diagnostics Nichols Institute San Juan Capistrano).

NM_000038.6(APC):c.8140C>T (p.Arg2714Cys)

Gene: APC (APC regulator of Wnt signaling pathway; plus strand). Cytogenetic location: 5q22.2.
Variant type: single nucleotide variant.
Coding change: c.8140C>T on transcript NM_000038.6 (MANE Select); coding-DNA position 8140, C replaced by T.
Protein change: p.Arg2714Cys; replaces arginine 2714 with cysteine.
Molecular consequence: missense variant.
Genome position (GRCh38, 1-based): chr5:112,843,734, C>T. VCF-style: chr5-112843734-C-T. GRCh37 (hg19) VCF-style: chr5-112179431-C-T.
Other names: c.8140C>T, p.Arg2714Cys (NM_001127510.3, NM_001354895.2); c.8086C>T, p.Arg2696Cys (NM_001127511.3); c.8194C>T, p.Arg2732Cys (NM_001354896.2); c.8170C>T, p.Arg2724Cys (NM_001354897.2); c.8065C>T, p.Arg2689Cys (NM_001354898.2); c.8056C>T, p.Arg2686Cys (NM_001354899.2); c.8017C>T, p.Arg2673Cys (NM_001354900.2); c.7963C>T, p.Arg2655Cys (NM_001354901.2); and 5 more; short protein forms R2696C, R2714C, R2588C, R2689C, R2431C, R2623C, R2655C, R2613C.
Identifiers: ClinVar variation 231255 (VCV000231255.20), dbSNP rs864622205, ClinGen allele CA10578457.